The following is an entry in ClinVar:

ClinVar aggregate classification (germline): Uncertain significance (1 of 4 stars; one submission).

Allele frequency attached by ClinVar (database versions not stated): gnomAD exomes below 0.00001.
gnomAD v4.1: 2 of 1,537,570 alleles (0.00013%); highest among the groups gnomAD compares: East Asian, 0.0048%; no homozygotes.

Submission:

GeneDx
Classification: Uncertain significance. Last evaluated: 2023-04-16. Review status: criteria provided, single submitter. Criteria: GeneDx Variant Classification Process June 2021. Collection method: clinical testing. Allele origin: germline. Affected: yes.
Comment: Not observed at significant frequency in large population cohorts (gnomAD); In silico analysis supports that this missense variant does not alter protein structure/function; Has not been previously published as pathogenic or benign to our knowledge

NM_013275.6(ANKRD11):c.6812C>T (p.Pro2271Leu)

Gene: ANKRD11 (ankyrin repeat domain containing 11; minus strand). Cytogenetic location: 16q24.3.
Variant type: single nucleotide variant.
Coding change: c.6812C>T on transcript NM_013275.6 (MANE Select); coding-DNA position 6812, C replaced by T.
Protein change: p.Pro2271Leu; replaces proline 2271 with leucine.
Molecular consequence: missense variant.
Genome position (GRCh38, 1-based): chr16:89,279,730, G>A on the plus strand (C>T on the coding strand, the complement: ANKRD11 is on the minus strand). VCF-style: chr16-89279730-G-A. GRCh37 (hg19) VCF-style: chr16-89346138-G-A.
Other names: c.6812C>T, p.Pro2271Leu (NM_001256182.2, NM_001256183.2); short protein forms P2271L.
Identifiers: ClinVar variation 2662116 (VCV002662116.1), dbSNP rs1361757335, ClinGen allele CA397149923.